The following is an entry in ClinVar:

NM_014915.3(ANKRD26):c.3163C>G (p.Leu1055Val)

Gene: ANKRD26 (ankyrin repeat domain containing 26; minus strand). Cytogenetic location: 10p12.1.
Variant type: single nucleotide variant.
Coding change: c.3163C>G on transcript NM_014915.3 (MANE Select); coding-DNA position 3163, C replaced by G.
Protein change: p.Leu1055Val; replaces leucine 1055 with valine.
Molecular consequence: missense variant.
Genome position (GRCh38, 1-based): chr10:27,035,287, G>C on the plus strand (C>G on the coding strand, the complement: ANKRD26 is on the minus strand). VCF-style: chr10-27035287-G-C. GRCh37 (hg19) VCF-style: chr10-27324216-G-C.
Other names: c.3160C>G, p.Leu1054Val (NM_001256053.2); short protein forms L1055V, L1054V.
Identifiers: ClinVar variation 3870980 (VCV003870980.1).

ClinVar aggregate classification (germline): Uncertain significance (1 of 4 stars; one submission).

Conditions:
Inborn genetic diseases. Identifiers: MedGen C0950123, MeSH D030342.

Submission:

Ambry Genetics
Classification: Uncertain significance for Inborn genetic diseases. Last evaluated: 2025-02-05. Review status: criteria provided, single submitter. Criteria: Ambry Variant Classification Scheme 2023. Collection method: clinical testing. Allele origin: germline.
Comment: The p.L1055V variant (also known as c.3163C>G), located in coding exon 24 of the ANKRD26 gene, results from a C to G substitution at nucleotide position 3163. The leucine at codon 1055 is replaced by valine, an amino acid with highly similar properties. This amino acid position is conserved. In addition, this alteration is predicted to be tolerated by in silico analysis. Based on the available evidence, the clinical significance of this variant remains unclear.